The following is an entry in ClinVar:

ClinVar aggregate classification (germline): Uncertain significance (1 of 4 stars; one submission).

Conditions:
PKD1L1-related disorder. Also called: PKD1L1-related condition.

Submission:

PreventionGenetics, part of Exact Sciences
Classification: Uncertain significance for PKD1L1-related condition. Last evaluated: 2026-08-23. Review status: criteria provided, single submitter. Criteria: ACMG Guidelines, 2015. Collection method: clinical testing. Allele origin: germline.
Comment: The PKD1L1 c.4150-63_4181del95 variant is predicted to result in a deletion affecting a canonical splice site. To our knowledge, this variant has not been reported in the literature. This variant is reported in 0.15% of alleles in individuals of African descent in gnomAD. Although we suspect that this variant may be benign, at this time, the clinical significance of this variant is uncertain due to the absence of conclusive functional and genetic evidence.

NM_138295.5(PKD1L1):c.4150-63_4181del

Gene: PKD1L1 (polycystin 1 like 1, transient receptor potential channel interacting; minus strand). Cytogenetic location: 7p12.3.
Variant type: Deletion.
Coding change: c.4150-63_4181del on transcript NM_138295.5 (MANE Select); 63 bases into the intron before coding-DNA position 4150 through coding-DNA position 4181, 95 bases deleted.
Molecular consequence: splice acceptor variant.
Genome position (GRCh38, 1-based): chr7:47,858,854-47,858,948, 95 bases deleted. GRCh37 (hg19): chr7:47,898,480-47,898,574.
Identifiers: ClinVar variation 4980468 (VCV004980468.1).